The following is an entry in ClinVar:

NM_001371904.1(APOA5):c.427del (p.Arg143fs)

Gene: APOA5 (apolipoprotein A5; minus strand). Cytogenetic location: 11q23.3.
Variant type: Deletion.
Coding change: c.427del on transcript NM_001371904.1 (MANE Select); coding-DNA position 427, one base deleted (C; older notation c.427delC).
Protein change: p.Arg143fs; shifts the reading frame from arginine 143.
Molecular consequence: frameshift variant.
Genome position (GRCh38, 1-based): chr11:116,790,802, G deleted on the plus strand (C on the coding strand, the reverse complement: APOA5 is on the minus strand). VCF-style (leftmost placement, unchanged base first): chr11-116790801-CG-C. GRCh37 (hg19) VCF-style: chr11-116661517-CG-C.
Other names: c.427delC (NM_052968.4); c.427del, p.Arg143fs (NM_001166598.2, NM_052968.5); c.427del (NM_001166598.1); short protein forms R143fs.
Identifiers: ClinVar variation 1678148 (VCV001678148.13), dbSNP rs777046568, ClinGen allele CA6289082.

ClinVar aggregate classification (germline): Conflicting classifications of pathogenicity. Review status: criteria provided, conflicting classifications (1 of 4 stars). 9 submissions from 9 submitters: Pathogenic (5); Likely pathogenic (3); Uncertain significance (1). Last evaluated 2026-04-16.

Conditions:
Familial type 5 hyperlipoproteinemia. Also called: HYPERCHYLOMICRONEMIA WITH HYPERPREBETALIPOPROTEINEMIA, FAMILIAL; Hyperlipoproteinemia Type V. Identifiers: Orphanet 530849, MedGen C0020481, MONDO:0007762, OMIM 144650.
Hypertriglyceridemia 1. Also called: Hypertriglyceridemia, familial. Identifiers: MedGen C5444012, MONDO:0007788, OMIM 145750.
APOA5-related disorder. Also called: APOA5-related condition.
Cardiovascular phenotype. Identifiers: MedGen CN230736.

Allele frequency attached by ClinVar (database versions not stated): gnomAD 0.00001; gnomAD exomes 0.00002 and 0.00006; TOPMed 0.00002; ExAC 0.00007.

Submissions (9):

Ambry Genetics
Classification: Pathogenic for Cardiovascular phenotype. Last evaluated: 2026-04-16. Review status: criteria provided, single submitter. Criteria: Ambry Variant Classification Scheme 2023. Collection method: clinical testing. Allele origin: germline.
Comment: The c.427delC pathogenic mutation, located in coding exon 3 of the APOA5 gene, results from a deletion of one nucleotide at nucleotide position 427, causing a translational frameshift with a predicted alternate stop codon (p.R143Afs*57). This variant occurs at the 3' terminus of the gene, is not expected to trigger nonsense-mediated mRNA decay, and impacts the last 61% of the protein. However, premature stop codons are typically deleterious in nature and a significant portion of the protein is affected (Ambry internal data). This alteration has also been reported in other subjects with hypertriglyceridemia (Buonuomo PS et al. J Clin Lipidol Sep;11:1329-1337.e3; Evans D et al. Atherosclerosis, 2011 Dec;219:715-20; Do R et al. Nature, 2015 Feb;518:102-6; De Castro-Or&oacute;s I et al. J Clin Lipidol, 2016 Feb;10:790-797). This variant is considered to be rare based on population cohorts in the Genome Aggregation Database (gnomAD). Based on the supporting evidence, this variant is interpreted as a disease-causing mutation.

PreventionGenetics, part of Exact Sciences
Classification: Pathogenic for APOA5-related condition. Last evaluated: 2026-02-13. Review status: criteria provided, single submitter. Criteria: ACMG Guidelines, 2015. Collection method: clinical testing. Allele origin: germline.
Comment: The APOA5 c.427delC variant is predicted to result in a frameshift and premature protein termination (p.Arg143Alafs*57). This variant has been reported in the heterozygous or homozygous states in individuals with hypertriglyceridemia (See for examples, Evans. 2011. PubMed ID: 21993410; Table S1, Thériault et al. 2016. PubMed ID: 27678447). This variant is reported in 0.029% of alleles in individuals of South Asian descent in gnomAD. Frameshift variants in APOA5 are expected to be pathogenic. This variant is interpreted as pathogenic.

Labcorp Genetics (formerly Invitae), Labcorp
Classification: Uncertain significance. Last evaluated: 2026-01-10. Review status: criteria provided, single submitter. Criteria: Invitae Variant Classification Sherloc (09022015). Collection method: clinical testing. Allele origin: germline.
Comment: This sequence change creates a premature translational stop signal (p.Arg143Alafs*57) in the APOA5 gene. While this is not anticipated to result in nonsense mediated decay, it is expected to disrupt the last 224 amino acid(s) of the APOA5 protein. This variant is present in population databases (rs777046568, gnomAD 0.03%). This premature translational stop signal has been observed in individuals with autosomal recessive hypertriglyceridemia and/or clinical features of APOA5-related conditions (PMID: 21993410, 25487149, 27578109, 27678447, 33111339). ClinVar contains an entry for this variant (Variation ID: 1678148). Experimental studies and prediction algorithms are not available or were not evaluated, and the functional significance of this variant is currently unknown. In summary, the available evidence is currently insufficient to determine the role of this variant in disease. Therefore, it has been classified as a Variant of Uncertain Significance.

Illumina Laboratory Services, Illumina
Classification: Likely pathogenic for Familial type 5 hyperlipoproteinemia. Last evaluated: 2024-02-21. Review status: criteria provided, single submitter. Criteria: ICSLVariantClassificationCriteria RUGD 01 April 2020. Collection method: clinical testing. Allele origin: unknown.
Comment: The APOA5 c.427del p.(Arg143AlafsTer57) variant causes a shift in the protein reading frame that is predicted to result in premature termination of the protein. This variant occurs in the last exon of the gene and the resulting transcript may escape nonsense-mediated mRNA decay. This variant has been identified in both the heterozygous and homozygous state in individuals with a phenotype consistent with hyperlipoproteinemia type V (PMID: 21993410; 27578109; 27678447; 31619059). Further, this variant has been shown to segregate with disease in at least one family (PMID: 27678447). This variant is not observed at a significant frequency in version 2.1.1 or version 4.0.0 of the Genome Aggregation Database. Based on the available evidence, the c.427del p.(Arg143AlafsTer57) variant is classified as likely pathogenic for hyperlipoproteinemia type V.

Blueprint Genetics
Classification: Pathogenic for APOA5-related disorders. Last evaluated: 2022-11-02. Review status: criteria provided, single submitter. Criteria: ACMG Guidelines, 2015. Collection method: clinical testing. Allele origin: germline. Affected: yes. Observed: 2 variant alleles.

Clinical Genetics Laboratory, Skane University Hospital Lund
Classification: Pathogenic. Last evaluated: 2022-07-13. Review status: criteria provided, single submitter. Criteria: ACMG Guidelines, 2015. Collection method: clinical testing. Allele origin: germline. Affected: yes.

MGZ Medical Genetics Center
Classification: Pathogenic for Familial type 5 hyperlipoproteinemia. Last evaluated: 2022-02-18. Review status: criteria provided, single submitter. Criteria: ACMG Guidelines, 2015. Collection method: clinical testing. Allele origin: germline. Affected: yes. Observed: 1 variant allele.
Comment: ACMG criteria applied: PVS1, PM2_SUP, PP1

AiLife Diagnostics
Classification: Likely pathogenic. Last evaluated: 2022-01-07. Review status: criteria provided, single submitter. Criteria: ACMG Guidelines, 2015. Collection method: clinical testing. Allele origin: germline. Affected: yes. Observed: 1 variant allele.

Clinical Genetics Service, Universitary Hospital 12 de Octubre
Classification: Likely pathogenic for Hypertriglyceridemia 1. Review status: criteria provided, single submitter. Criteria: ACMG Guidelines, 2015. Collection method: clinical testing. Allele origin: germline. Affected: yes.

Literature cited by the submitters: PubMed 16806135 (cited by Ambry Genetics); PubMed 21993410 (cited by 4 submitters); PubMed 25487149 (cited by 3 submitters); PubMed 27578109 (cited by 3 submitters); PubMed 27678447 (cited by 4 submitters); PubMed 28951076 (cited by Ambry Genetics); PubMed 31619059 (cited by 3 submitters); PubMed 39335531 (cited by Ambry Genetics); PubMed 33111339 (cited by Labcorp Genetics (formerly Invitae), Labcorp and AiLife Diagnostics); PubMed 32041611 (cited by AiLife Diagnostics).